The following is an entry in ClinVar:

ClinVar aggregate classification (germline): Uncertain significance (1 of 4 stars; one submission).

Submission:

Women's Health and Genetics/Laboratory Corporation of America, LabCorp
Classification: Uncertain significance. Last evaluated: 2026-02-26. Review status: criteria provided, single submitter. Criteria: LabCorp Variant Classification Summary - May 2015. Collection method: clinical testing. Allele origin: germline.
Comment: Variant summary: ATP6V0A2 c.(?_-214)_-98dup involves the partial duplication of exon 1, which is located in the untranslated mRNA region upstream of the initiation codon. The exact breakpoint at the 5' end of this variant is unknown, therefore this deletion may extend upstream of the annotated region of this gene. A large duplication variant (size: 84,009 bp) which corresponds to the 5' UTR region of the ATP6V0A2 gene and extends upstream affecting other genes (including the whole TCTN2 gene and part of the EIF2B1 gene) was found at a frequency of 0.00021 in 123610 control chromosomes, predominantly at a frequency of 0.00037 within the Non-Finnish European subpopulation in the gnomAD database (Structural Variants v4.1 dataset). This frequency is not higher than the maximum estimated for disease-causing variants in ATP6V0A2, allowing no clear conclusions about variant significance. To our knowledge, no occurrence of c.(?_-214)_-98dup in individuals affected with ATP6V0A2-related conditions and no experimental evidence demonstrating its impact on protein function have been reported. No submitters have cited clinical-significance assessments for this variant to ClinVar. Based on the evidence outlined above, the variant was classified as uncertain significance.

NM_012463.4:c.(?_-214)_-98dup

Gene: ATP6V0A2 (ATPase H+ transporting V0 subunit a2; plus strand).
Variant type: Duplication.
Other names: c.(?_-214)_-98dup (NM_012463.4).
Identifiers: ClinVar variation 4847836 (VCV004847836.1).